The following is an entry in ClinVar:

NM_001164508.2(NEB):c.3255+1G>C

Gene: NEB (nebulin; minus strand). Cytogenetic location: 2q23.3.
Variant type: single nucleotide variant.
Coding change: c.3255+1G>C on transcript NM_001164508.2 (MANE Select); the canonical splice donor site of the intron after coding-DNA position 3255, G replaced by C.
Molecular consequence: splice donor variant.
Genome position (GRCh38, 1-based): chr2:151,679,720, C>G on the plus strand (G>C on the coding strand, the complement: NEB is on the minus strand). VCF-style: chr2-151679720-C-G. GRCh37 (hg19) VCF-style: chr2-152536234-C-G.
Other names: c.3255+1G>C (NM_004543.5, NM_001164507.2, NM_001271208.2).
Identifiers: ClinVar variation 553174 (VCV000553174.10), dbSNP rs375628303, ClinGen allele CA1910961.

ClinVar aggregate classification (germline): Pathogenic/Likely pathogenic. Review status: criteria provided, multiple submitters, no conflicts (2 of 4 stars). 7 submissions from 7 submitters: Pathogenic (5); Likely pathogenic (1). 1 of the submissions does not count toward it. Last evaluated 2025-04-29.

Conditions:
Arthrogryposis multiplex congenita 6. Identifiers: MedGen C5543431, MONDO:0030281, OMIM 619334.
Nemaline myopathy 2 (NEM2). Also called: Nemaline myopathy 2, autosomal recessive. Identifiers: MedGen C1850569, MONDO:0009725, OMIM 256030.
Nemaline myopathy. Also called: Myopathies, Nemaline. Identifiers: Orphanet 607, MedGen C0206157, MONDO:0018958.

gnomAD v4.1: 1 of 1,343,488 alleles (0.000074%); highest among the groups gnomAD compares: Non-Finnish European, 0.000099%; no homozygotes.

Submissions (7):

Myriad Genetics, Inc.
Classification: Pathogenic for Nemaline myopathy 2. Last evaluated: 2025-04-29. Review status: criteria provided, single submitter. Criteria: Myriad Autosomal Dominant, Autosomal Recessive and X-Linked Classification Criteria (2023). Collection method: clinical testing. Allele origin: unknown.
Comment: NM_001271208.1(NEB):c.3255+1G>C is a variant in a canonical splice site classified as pathogenic in the context of NEB-related nemaline myopathy. c.3255+1G>C has been observed in cases with relevant disease (PMID: 25205138, 37460656). Relevant functional assessments of this variant are not available in the literature. c.3255+1G>C has been observed in referenced population frequency databases. In summary, NM_001271208.1(NEB):c.3255+1G>C is a variant in a canonical splice site that has been observed more frequently in cases with the relevant disease than in healthy populations. Please note: this variant was assessed in the context of healthy population screening.

Broad Center for Mendelian Genomics, Broad Institute of MIT and Harvard
Classification: Pathogenic for Nemaline myopathy. Last evaluated: 2025-03-20. Review status: criteria provided, single submitter. Criteria: ACMG Guidelines, 2015. Collection method: curation. Allele origin: germline. Inheritance: Autosomal recessive inheritance.
Comment: The c.3255+1G>C in NEB has been reported in two individuals with nemaline myopathy (PMID: 25205138, 37460656), and has been identified in 0.0001% (1/1006070) of European (non-Finnish) chromosomes by the Genome Aggregation Database (gnomAD; dbSNP ID: rs375628303). Although this variant has been seen in the general population in a heterozygous state, its frequency is low enough to be consistent with a recessive carrier frequency. This variant has also been reported in ClinVar (Variation ID: 553174) and has been interpreted as likely pathogenic by Counsyl. Of the two affected individuals, one of those was a homozygote, which increases the likelihood that the c.3255+1G>C variant is pathogenic (PMID: 37460656). This variant is located in the 3' splice region. Computational tools predict a splicing impact, though this information is not predictive enough to determine pathogenicity. There is an in-frame cryptic splice site 39 bases from the intron-exon boundary, providing evidence that this variant may add 13 amino acids instead of causing loss of function. However, this information is not predictive enough to determine pathogenicity. Loss of function of the NEB gene is an established disease mechanism in autosomal recessive nemaline myopathy. The phenotype of an individual heterozygous for this variant is highly specific for nemaline myopathy based on the presence of nemaline rods consistent with disease (PMID: 37460656). Two additional pathogenic/likely pathogenic variants, predicted to induce the same splicing effect as this variant, have been reported in ClinVar as being associated with nemaline myopathy, supporting that the c.3255+1G>C variant may be pathogenic (Variation ID: 552035, 449502). In summary, this variant meets criteria to be classified as pathogenic for autosomal recessive nemaline myopathy. ACMG/AMP Criteria applied: PS1, PVS1_strong, PP4, PM2_supporting, PM3_supporting (Richards 2015).

3billion
Classification: Pathogenic for Nemaline myopathy 2. Last evaluated: 2024-08-27. Review status: criteria provided, single submitter. Criteria: ACMG Guidelines, 2015. Collection method: clinical testing. Allele origin: germline. Affected: yes.
Comment: The variant is observed at an extremely low frequency in the gnomAD v4.0.0 dataset (total allele frequency: <0.001%). Predicted Consequence/Location: Canonical splice site: predicted to alter splicing and result in a loss or disruption of normal protein function. Multiple pathogenic loss-of-function variants are reported downstream of the variant. In silico tools predict the variant to alter splicing and produce an abnormal transcript [SpliceAI: 1.00 (spliceogenicity >=0.2, non-spliceogenicity <0.1)]. The variant has been reported at least twice as pathogenic with clinical assertions and evidence for the classification (ClinVar ID: VCV000553174 /PMID: 25205138). Therefore, this variant is classified as Pathogenic according to the recommendation of ACMG/AMP guideline.

Fulgent Genetics
Classification: Likely pathogenic for Nemaline myopathy 2; Arthrogryposis multiplex congenita 6. Last evaluated: 2024-01-10. Review status: criteria provided, single submitter. Criteria: ACMG Guidelines, 2015. Collection method: clinical testing. Allele origin: germline.

Labcorp Genetics (formerly Invitae), Labcorp
Classification: Pathogenic for Nemaline myopathy 2. Last evaluated: 2023-12-13. Review status: criteria provided, single submitter. Criteria: Invitae Variant Classification Sherloc (09022015). Collection method: clinical testing. Allele origin: germline.
Comment: This sequence change affects a donor splice site in intron 32 of the NEB gene. It is expected to disrupt RNA splicing. Variants that disrupt the donor or acceptor splice site typically lead to a loss of protein function (PMID: 16199547), and loss-of-function variants in NEB are known to be pathogenic (PMID: 25205138). This variant is present in population databases (rs375628303, gnomAD 0.0009%). Disruption of this splice site has been observed in individuals with nemaline myopathy (PMID: 16917880). ClinVar contains an entry for this variant (Variation ID: 553174). Algorithms developed to predict the effect of sequence changes on RNA splicing suggest that this variant may disrupt the consensus splice site. For these reasons, this variant has been classified as Pathogenic.

Baylor Genetics
Classification: Pathogenic for Arthrogryposis multiplex congenita 6. Last evaluated: 2022-12-08. Review status: criteria provided, single submitter. Criteria: ACMG Guidelines, 2015. Collection method: clinical testing. Allele origin: unknown.

Counsyl
Classification: Likely pathogenic for Nemaline myopathy 2. Last evaluated: 2017-08-08. Review status: no assertion criteria provided. Collection method: clinical testing. Allele origin: unknown. Not counted in ClinVar's aggregate classification.

Literature cited by the submitters: PubMed 25205138 (cited by 4 submitters); PubMed 37460656 (cited by Myriad Genetics, Inc.); PubMed 16199547 (cited by Labcorp Genetics (formerly Invitae), Labcorp); PubMed 16917880 (cited by Labcorp Genetics (formerly Invitae), Labcorp).